The following is an entry in ClinVar:

ClinVar aggregate classification (germline): Benign. Review status: criteria provided, multiple submitters, no conflicts (2 of 4 stars). 2 submissions from 2 submitters: Benign (2). Last evaluated 2018-01-13.

Conditions:
Episodic ataxia type 1 (EA1). Also called: ATAXIA, EPISODIC, WITH MYOKYMIA; MYOKYMIA WITH PERIODIC ATAXIA; PAROXYSMAL ATAXIA WITH NEUROMYOTONIA, HEREDITARY; Episodic ataxia/myokymia syndrome. Identifiers: Orphanet 37612, Orphanet 972, MedGen C1719788, MONDO:0008047, OMIM 160120.

Allele frequency attached by ClinVar (database versions not stated): TOPMed 0.20714; gnomAD 0.21574 and 0.21933; 1000 Genomes Project 30x 0.24313; 1000 Genomes Project 0.24381; gnomAD exomes 0.32862.

Submissions (2):

Illumina Laboratory Services, Illumina
Classification: Benign for Episodic ataxia type 1. Last evaluated: 2018-01-13. Review status: criteria provided, single submitter. Criteria: ICSL Variant Classification Criteria 13 December 2019. Collection method: clinical testing. Allele origin: germline.
Comment: This variant was observed in the ICSL laboratory as part of a predisposition screen in an ostensibly healthy population. It had not been previously curated by ICSL or reported in the Human Gene Mutation Database (HGMD: prior to June 1st, 2018), and was therefore a candidate for classification through an automated scoring system. Utilizing variant allele frequency, disease prevalence and penetrance estimates, and inheritance mode, an automated score was calculated to assess if this variant is too frequent to cause the disease. Based on the score and internal cut-off values, a variant classified as benign is not then subjected to further curation. The score for this variant resulted in a classification of benign for this disease.

Breakthrough Genomics
Classification: Benign. Review status: criteria provided, single submitter. Criteria: ACMG Guidelines, 2015. Collection method: not provided. Allele origin: germline. Inheritance: Autosomal dominant inheritance. Affected: yes.

NM_000217.3(KCNA1):c.*4439C>T

Gene: KCNA1 (potassium voltage-gated channel subfamily A member 1; plus strand). Cytogenetic location: 12p13.32.
Variant type: single nucleotide variant.
Coding change: c.*4439C>T on transcript NM_000217.3 (MANE Select); 4439 bases downstream of the stop codon, C replaced by T.
Molecular consequence: 3 prime UTR variant.
Genome position (GRCh38, 1-based): chr12:4,917,305, C>T. VCF-style: chr12-4917305-C-T. GRCh37 (hg19) VCF-style: chr12-5026471-C-T.
Identifiers: ClinVar variation 309213 (VCV000309213.7), dbSNP rs12424292, ClinGen allele CA10637725.